The following is an entry in ClinVar:

NM_018192.4(P3H2):c.895T>G (p.Ser299Ala)

Gene: P3H2 (prolyl 3-hydroxylase 2; minus strand). Cytogenetic location: 3q28.
Variant type: single nucleotide variant.
Coding change: c.895T>G on transcript NM_018192.4 (MANE Select); coding-DNA position 895, T replaced by G.
Protein change: p.Ser299Ala; replaces serine 299 with alanine.
Molecular consequence: missense variant.
Genome position (GRCh38, 1-based): chr3:189,988,967, A>C on the plus strand (T>G on the coding strand, the complement: P3H2 is on the minus strand). VCF-style: chr3-189988967-A-C. GRCh37 (hg19) VCF-style: chr3-189706756-A-C.
Other names: c.352T>G, p.Ser118Ala (NM_001134418.2); short protein forms S299A, S118A.
Identifiers: ClinVar variation 939697 (VCV000939697.7), dbSNP rs1723792447, ClinGen allele CA355758704.

ClinVar aggregate classification (germline): Uncertain significance. Review status: criteria provided, multiple submitters, no conflicts (2 of 4 stars). 2 submissions from 2 submitters: Uncertain significance (2). Last evaluated 2025-04-11.

Conditions:
Inborn genetic diseases. Identifiers: MedGen C0950123, MeSH D030342.

gnomAD v4.1: 1 of 1,614,070 alleles (0.000062%); highest among the groups gnomAD compares: East Asian, 0.0022%; no homozygotes.

Submissions (2):

Ambry Genetics
Classification: Uncertain significance for Inborn genetic diseases. Last evaluated: 2025-04-11. Review status: criteria provided, single submitter. Criteria: Ambry Variant Classification Scheme 2023. Collection method: clinical testing. Allele origin: germline.

Labcorp Genetics (formerly Invitae), Labcorp
Classification: Uncertain significance. Last evaluated: 2025-02-19. Review status: criteria provided, single submitter. Criteria: Invitae Variant Classification Sherloc (09022015). Collection method: clinical testing. Allele origin: germline.
Comment: This sequence change replaces serine, which is neutral and polar, with alanine, which is neutral and non-polar, at codon 299 of the P3H2 protein (p.Ser299Ala). This variant is not present in population databases (gnomAD no frequency). This variant has not been reported in the literature in individuals affected with P3H2-related conditions. ClinVar contains an entry for this variant (Variation ID: 939697). Invitae Evidence Modeling of protein sequence and biophysical properties (such as structural, functional, and spatial information, amino acid conservation, physicochemical variation, residue mobility, and thermodynamic stability) indicates that this missense variant is not expected to disrupt P3H2 protein function with a negative predictive value of 80%. In summary, the available evidence is currently insufficient to determine the role of this variant in disease. Therefore, it has been classified as a Variant of Uncertain Significance.